The following is an entry in ClinVar:

NM_001854.4(COL11A1):c.2098-2A>C

Gene: COL11A1 (collagen type XI alpha 1 chain; minus strand). Cytogenetic location: 1p21.1.
Variant type: single nucleotide variant.
Coding change: c.2098-2A>C on transcript NM_001854.4 (MANE Select); the canonical splice acceptor site of the intron before coding-DNA position 2098, A replaced by C.
Molecular consequence: splice acceptor variant.
Genome position (GRCh38, 1-based): chr1:103,001,971, T>G on the plus strand (A>C on the coding strand, the complement: COL11A1 is on the minus strand). VCF-style: chr1-103001971-T-G. GRCh37 (hg19) VCF-style: chr1-103467527-T-G.
Other names: c.1981-2A>C (NM_001190709.2); c.2134-2A>C (NM_080629.3); c.1750-2A>C (NM_080630.4).
Identifiers: ClinVar variation 2700417 (VCV002700417.3), dbSNP rs2525351411, ClinGen allele CA341170511.

ClinVar aggregate classification (germline): Likely pathogenic (1 of 4 stars; one submission).

Submission:

Labcorp Genetics (formerly Invitae), Labcorp
Classification: Likely pathogenic. Last evaluated: 2023-12-02. Review status: criteria provided, single submitter. Criteria: Invitae Variant Classification Sherloc (09022015). Collection method: clinical testing. Allele origin: germline.
Comment: This sequence change affects an acceptor splice site in intron 23 of the COL11A1 gene. It is expected to disrupt RNA splicing. Variants that disrupt the donor or acceptor splice site typically lead to a loss of protein function (PMID: 16199547), and loss-of-function variants in COL11A1 are known to be pathogenic (PMID: 20513134, 21035103, 23922384, 25240749, 32427345, 32756486). This variant is not present in population databases (gnomAD no frequency). This variant has not been reported in the literature in individuals affected with COL11A1-related conditions. Algorithms developed to predict the effect of sequence changes on RNA splicing suggest that this variant may disrupt the consensus splice site. In summary, the currently available evidence indicates that the variant is pathogenic, but additional data are needed to prove that conclusively. Therefore, this variant has been classified as Likely Pathogenic.

Literature cited by the submitters: PubMed 16199547; PubMed 20513134; PubMed 21035103; PubMed 23922384; PubMed 25240749; PubMed 32427345; PubMed 32756486.